The following is an entry in ClinVar:

ClinVar aggregate classification (germline): Uncertain significance (1 of 4 stars; one submission).

Submission:

GeneDx
Classification: Uncertain significance. Last evaluated: 2026-03-31. Review status: criteria provided, single submitter. Criteria: GeneDx Variant Classification Process June 2021. Collection method: clinical testing. Allele origin: germline.
Comment: Not observed at significant frequency in large population cohorts (gnomAD); In silico analysis supports that this missense variant has a deleterious effect on protein structure/function; Has not been previously published as pathogenic or benign to our knowledge

NM_001037283.2(EIF3B):c.2008G>C (p.Val670Leu)

Gene: EIF3B (eukaryotic translation initiation factor 3 subunit B; plus strand). Cytogenetic location: 7p22.3.
Variant type: single nucleotide variant.
Coding change: c.2008G>C on transcript NM_001037283.2 (MANE Select); coding-DNA position 2008, G replaced by C.
Protein change: p.Val670Leu; replaces valine 670 with leucine.
Molecular consequence: missense variant.
Genome position (GRCh38, 1-based): chr7:2,375,507, G>C. VCF-style: chr7-2375507-G-C. GRCh37 (hg19) VCF-style: chr7-2415142-G-C.
Other names: c.2008G>C, p.Val670Leu (NM_001362791.2, NM_003751.4); c.1192G>C, p.Val398Leu (NM_001362792.2, NM_001362793.2); short protein forms V398L, V670L.
Identifiers: ClinVar variation 5017769 (VCV005017769.1).